The following is an entry in ClinVar:

NM_002471.4(MYH6):c.400T>C (p.Tyr134His)

Genes: MYH6 (myosin heavy chain 6; minus strand), LOC114827851 (VISTA enhancer hs2155; plus strand). Cytogenetic location: 14q11.2.
Variant type: single nucleotide variant.
Coding change: c.400T>C on transcript NM_002471.4 (MANE Select); coding-DNA position 400, T replaced by C.
Protein change: p.Tyr134His; replaces tyrosine 134 with histidine.
Molecular consequence: missense variant.
Genome position (GRCh38, 1-based): chr14:23,405,325, A>G on the plus strand (T>C on the coding strand, the complement: MYH6 is on the minus strand). VCF-style: chr14-23405325-A-G. GRCh37 (hg19) VCF-style: chr14-23874534-A-G.
Other names: short protein forms Y134H.
Identifiers: ClinVar variation 3222338 (VCV003222338.1), dbSNP rs2502207692, ClinGen allele CA389031066.

ClinVar aggregate classification (germline): Uncertain significance (1 of 4 stars; one submission).

Conditions:
Cardiovascular phenotype. Identifiers: MedGen CN230736.

Submission:

Ambry Genetics
Classification: Uncertain significance for Cardiovascular phenotype. Last evaluated: 2023-11-05. Review status: criteria provided, single submitter. Criteria: Ambry Variant Classification Scheme 2023. Collection method: clinical testing. Allele origin: germline.
Comment: The p.Y134H variant (also known as c.400T>C), located in coding exon 3 of the MYH6 gene, results from a T to C substitution at nucleotide position 400. The tyrosine at codon 134 is replaced by histidine, an amino acid with similar properties. This amino acid position is conserved. In addition, this alteration is predicted to be deleterious by in silico analysis. Since supporting evidence is limited at this time, the clinical significance of this alteration remains unclear.